The following is an entry in ClinVar:

ClinVar aggregate classification (germline): Conflicting classifications of pathogenicity. Review status: criteria provided, conflicting classifications (1 of 4 stars). 2 submissions from 2 submitters: Uncertain significance (1); Likely benign (1). Last evaluated 2021-02-01.

Conditions:
Mucopolysaccharidosis, MPS-IV-A (MPS4A). Also called: Mucopolysaccharidosis type IV A; Mucopolysaccharidosis Type IVA; Morquio syndrome A, mild; MORQUIO SYNDROME A; MPS IVA; mucopolysaccharidosis type 4A. Identifiers: Orphanet 309297, Orphanet 582, MedGen C0086651, MONDO:0009659, OMIM 253000.

Submissions (2):

Laboratory of Diagnosis and Therapy of Lysosomal Disorders, University of Padova
Classification: Uncertain significance for Mucopolysaccharidosis, MPS-IV-A. Last evaluated: 2021-02-01. Review status: criteria provided, single submitter. Criteria: ACMG Guidelines, 2015. Collection method: curation. Allele origin: germline. Affected: yes.
Comment: Absent from gnomAD v2.1.1 (PM2_moderate)

GeneDx
Classification: Likely benign. Last evaluated: 2019-09-23. Review status: criteria provided, single submitter. Criteria: GeneDx Variant Classification Process June 2021. Collection method: clinical testing. Allele origin: germline. Affected: yes.
Comment: This variant is associated with the following publications: (PMID: 30305043, 30809705)

Literature cited by the submitters: PubMed 30305043 (cited by Laboratory of Diagnosis and Therapy of Lysosomal Disorders, University of Padova); PubMed 34387910 (cited by Laboratory of Diagnosis and Therapy of Lysosomal Disorders, University of Padova).

NM_000512.5(GALNS):c.1002+307G>C

Gene: GALNS (galactosamine (N-acetyl)-6-sulfatase; minus strand). Cytogenetic location: 16q24.3.
Variant type: single nucleotide variant.
Coding change: c.1002+307G>C on transcript NM_000512.5 (MANE Select); 307 bases into the intron after coding-DNA position 1002, G replaced by C.
Molecular consequence: intron variant.
Genome position (GRCh38, 1-based): chr16:88,831,691, C>G on the plus strand (G>C on the coding strand, the complement: GALNS is on the minus strand). VCF-style: chr16-88831691-C-G. GRCh37 (hg19) VCF-style: chr16-88898099-C-G.
Other names: c.447+307G>C (NM_001323543.2); c.1020+307G>C (NM_001323544.2).
Identifiers: ClinVar variation 1048431 (VCV001048431.6), dbSNP rs866140272, ClinGen allele CA286459006.